The following is an entry in ClinVar:

NM_014714.4(IFT140):c.1902-77G>C

Gene: IFT140 (intraflagellar transport 140; minus strand). Cytogenetic location: 16p13.3.
Variant type: single nucleotide variant.
Coding change: c.1902-77G>C on transcript NM_014714.4 (MANE Select); 77 bases into the intron before coding-DNA position 1902, G replaced by C.
Molecular consequence: intron variant.
Genome position (GRCh38, 1-based): chr16:1,564,239, C>G on the plus strand (G>C on the coding strand, the complement: IFT140 is on the minus strand). VCF-style: chr16-1564239-C-G. GRCh37 (hg19) VCF-style: chr16-1614240-C-G.
Identifiers: ClinVar variation 1706756 (VCV001706756.2), dbSNP rs11248883, ClinGen allele CA16516082.

ClinVar aggregate classification (germline): Likely benign (1 of 4 stars; one submission).

Allele frequency attached by ClinVar (database versions not stated): TOPMed 0.06697; 1000 Genomes Project 30x 0.06933; 1000 Genomes Project 0.07149.
gnomAD v4.1: 69,408 of 1,340,858 alleles (5.2%); highest among the groups gnomAD compares: Admixed American, 22%; 2,865 homozygotes.

Submission:

GeneDx
Classification: Likely benign. Last evaluated: 2021-05-12. Review status: criteria provided, single submitter. Criteria: GeneDx Variant Classification Process June 2021. Collection method: clinical testing. Allele origin: germline. Affected: yes.
Comment: See Variant Classification Assertion Criteria.